The following is an entry in ClinVar:

ClinVar aggregate classification (germline): Uncertain significance (1 of 4 stars; one submission).

Submission:

GeneDx
Classification: Uncertain significance. Last evaluated: 2026-01-30. Review status: criteria provided, single submitter. Criteria: GeneDx Variant Classification Process June 2021. Collection method: clinical testing. Allele origin: germline.
Comment: Not observed at significant frequency in large population cohorts (gnomAD); In silico analysis suggests that this missense variant does not alter protein structure/function; Has not been previously published as pathogenic or benign to our knowledge

NM_004447.6(EPS8):c.1627G>A (p.Val543Ile)

Gene: EPS8 (EGFR pathway substrate 8, signaling adaptor; minus strand). Cytogenetic location: 12p12.3.
Variant type: single nucleotide variant.
Coding change: c.1627G>A on transcript NM_004447.6 (MANE Select); coding-DNA position 1627, G replaced by A.
Protein change: p.Val543Ile; replaces valine 543 with isoleucine.
Molecular consequence: missense variant. On other transcripts: non-coding transcript variant (3).
Genome position (GRCh38, 1-based): chr12:15,641,772, C>T on the plus strand (G>A on the coding strand, the complement: EPS8 is on the minus strand). VCF-style: chr12-15641772-C-T. GRCh37 (hg19) VCF-style: chr12-15794706-C-T.
Other names: c.1627G>A, p.Val543Ile (NM_001413831.1, NM_001413832.1, NM_001413833.1 and 1 more transcripts); c.1387G>A, p.Val463Ile (NM_001413835.1, NM_001413836.1); c.1210G>A, p.Val404Ile (NM_001413837.1); c.847G>A, p.Val283Ile (NM_001413838.1); short protein forms V283I, V404I, V463I, V543I.
Identifiers: ClinVar variation 4975619 (VCV004975619.1).